The following is an entry in ClinVar:

NM_003611.3(OFD1):c.2413C>T (p.Gln805Ter)

Gene: OFD1 (OFD1 centriole and centriolar satellite protein; plus strand). Cytogenetic location: Xp22.2.
Variant type: single nucleotide variant.
Coding change: c.2413C>T on transcript NM_003611.3 (MANE Select); coding-DNA position 2413, C replaced by T.
Protein change: p.Gln805Ter; replaces glutamine 805 with a stop codon.
Molecular consequence: nonsense.
Genome position (GRCh38, 1-based): chrX:13,762,369, C>T. VCF-style: chrX-13762369-C-T. GRCh37 (hg19) VCF-style: chrX-13780488-C-T.
Other names: c.2293C>T, p.Gln765Ter (NM_001330209.2, NM_001440948.1); c.1993C>T, p.Gln665Ter (NM_001330210.2); c.2413C>T, p.Gln805Ter (NM_001440947.1); short protein forms Q665*, Q765*, Q805*.
Identifiers: ClinVar variation 4855510 (VCV004855510.1).

ClinVar aggregate classification (germline): Pathogenic (1 of 4 stars; one submission).

Conditions:
OFD1-related disorder. Also called: OFD1-related condition.

Submission:

3billion
Classification: Pathogenic for OFD1-related disorder. Last evaluated: 2025-09-10. Review status: criteria provided, single submitter. Criteria: ACMG Guidelines, 2015. Collection method: clinical testing. Allele origin: germline. Affected: yes.
Comment: The variant is not observed in the gnomAD v4.1.0 dataset. Predicted Consequence/Location: Stop-gained (nonsense): predicted to result in a loss or disruption of normal protein function through nonsense-mediated decay (NMD) or protein truncation. Multiple pathogenic variants are reported downstream of the variant. Therefore, this variant is classified as Pathogenic according to the recommendation of ACMG/AMP guideline.